The following is an entry in ClinVar:

NM_001163809.2(WDR81):c.2104C>T (p.Arg702Cys)

Gene: WDR81 (WD repeat domain 81; plus strand). Cytogenetic location: 17p13.3.
Variant type: single nucleotide variant.
Coding change: c.2104C>T on transcript NM_001163809.2 (MANE Select); coding-DNA position 2104, C replaced by T.
Protein change: p.Arg702Cys; replaces arginine 702 with cysteine.
Molecular consequence: missense variant. On other transcripts: intron variant (3).
Genome position (GRCh38, 1-based): chr17:1,727,063, C>T. VCF-style: chr17-1727063-C-T. GRCh37 (hg19) VCF-style: chr17-1630357-C-T.
Other names: c.-123-927C>T (NM_152348.4); c.59-3317C>T (NM_001163673.2); c.-15+2277C>T (NM_001163811.2); short protein forms R702C.
Identifiers: ClinVar variation 4886635 (VCV004886635.2).

ClinVar aggregate classification (germline): Uncertain significance (1 of 4 stars; one submission).

gnomAD v4.1: 23 of 1,550,128 alleles (0.0015%); highest among the groups gnomAD compares: Admixed American, 0.016%; no homozygotes.

Submission:

Dasa
Classification: Uncertain significance. Last evaluated: 2025-08-19. Review status: criteria provided, single submitter. Criteria: DASA Assertion Criteria. Collection method: clinical testing. Allele origin: germline.
Comment: NM_001163809.2(WDR81):c.2104C>T (p.Arg702Cys) is a missense variant that results in the substitution of arginine with cysteine. This variant is rare in population databases. Computational prediction algorithms are consistent with a benign effect. The currently available literature and clinical evidence are not sufficient to establish a definitive association between this variant and the reported condition. Therefore, this variant is classified as a variant of uncertain significance.